The following is an entry in ClinVar:

ClinVar aggregate classification (germline): Pathogenic/Likely pathogenic. Review status: criteria provided, multiple submitters, no conflicts (2 of 4 stars). 9 submissions from 9 submitters: Pathogenic (5); Likely pathogenic (2). 2 of the submissions do not count toward it. Last evaluated 2026-01-20.

Conditions:
Hereditary spastic paraplegia. Also called: Familial spastic paraparesis. Identifiers: Orphanet 685, MedGen C0037773, MONDO:0019064. Disease mechanism: loss of function.
Mast syndrome. Also called: SPASTIC PARAPLEGIA 21, AUTOSOMAL RECESSIVE. Identifiers: Orphanet 101001, MedGen C1855346, MONDO:0009568, OMIM 248900.

Allele frequency attached by ClinVar (database versions not stated): gnomAD 0.00011 and 0.00003; ExAC 0.00002; TOPMed 0.00010; 1000 Genomes Project 30x 0.00031; 1000 Genomes Project 0.00020.
gnomAD v4.1: 34 of 1,614,094 alleles (0.0021%); highest among the groups gnomAD compares: East Asian, 0.0022%; no homozygotes.

Submissions (9):

Labcorp Genetics (formerly Invitae), Labcorp
Classification: Pathogenic for Mast syndrome. Last evaluated: 2026-01-20. Review status: criteria provided, single submitter. Criteria: Invitae Variant Classification Sherloc (09022015). Collection method: clinical testing. Allele origin: germline.
Comment: This sequence change creates a premature translational stop signal (p.Arg40*) in the SPG21 gene. It is expected to result in an absent or disrupted protein product. Loss-of-function variants in SPG21 are known to be pathogenic (PMID: 14564668). This variant is present in population databases (rs555126484, gnomAD 0.007%). This premature translational stop signal has been observed in individual(s) with clinical features of hereditary spastic paraplegia (PMID: 35111129). ClinVar contains an entry for this variant (Variation ID: 1285233). For these reasons, this variant has been classified as Pathogenic.

Variantyx, Inc.
Classification: Pathogenic for Mast syndrome. Last evaluated: 2025-05-12. Review status: criteria provided, single submitter. Criteria: Variantyx Assertion Criteria 2022. Collection method: clinical testing. Allele origin: germline. Inheritance: Autosomal recessive inheritance.
Comment: This is a nonsense variant in the SPG21 gene (OMIM: 608181). Pathogenic variants in this gene have been associated with autosomal recessive Mast syndrome. This variant introduces a premature termination codon in exon 3 out of 9 and is expected to result in loss of function, which is a known disease mechanism for SPG21 in this disorder (PMID: 35111129) (PVS1). It has a 0.0022% maximum allele frequency in non-founder control populations (PM2). Based on the current evidence, this variant is classified as pathogenic for autosomal recessive Mast syndrome.

Women's Health and Genetics/Laboratory Corporation of America, LabCorp
Classification: Pathogenic for Hereditary spastic paraplegia. Last evaluated: 2025-03-03. Review status: criteria provided, single submitter. Criteria: LabCorp Variant Classification Summary - May 2015. Collection method: clinical testing. Allele origin: germline.
Comment: Variant summary: SPG21 c.118C>T (p.Arg40X) results in a premature termination codon, predicted to cause a truncation of the encoded protein or absence of the protein due to nonsense mediated decay, which are commonly known mechanisms for disease. The variant allele was found at a frequency of 1.6e-05 in 251480 control chromosomes. c.118C>T has been reported in the literature in multiple homozygous and compound heterozygous individuals affected with Hereditary Spastic Paraplegia, Type 21 (Amprosi_2021). These data indicate that the variant is very likely to be associated with disease. To our knowledge, no experimental evidence demonstrating an impact on protein function has been reported. The following publication have been ascertained in the context of this evaluation (PMID: 35111129). ClinVar contains an entry for this variant (Variation ID: 1285233). Based on the evidence outlined above, the variant was classified as pathogenic.

Fulgent Genetics
Classification: Pathogenic for Mast syndrome. Last evaluated: 2024-01-29. Review status: criteria provided, single submitter. Criteria: ACMG Guidelines, 2015. Collection method: clinical testing. Allele origin: germline.

Revvity Omics, Revvity
Classification: Likely pathogenic for Mast syndrome. Last evaluated: 2022-03-04. Review status: criteria provided, single submitter. Criteria: ACMG Guidelines, 2015. Collection method: clinical testing. Allele origin: germline.

Institute of Medical Genetics and Applied Genomics, University Hospital Tübingen
Classification: Pathogenic for Mast syndrome. Last evaluated: 2021-09-16. Review status: criteria provided, single submitter. Criteria: ACMG Guidelines, 2015. Collection method: clinical testing. Allele origin: germline. Inheritance: Autosomal recessive inheritance. Affected: yes.

Athena Diagnostics
Classification: Likely pathogenic. Last evaluated: 2021-07-20. Review status: criteria provided, single submitter. Criteria: Athena Diagnostics Criteria. Collection method: clinical testing. Allele origin: unknown.
Comment: This variant is expected to result in the loss of a functional protein. The frequency of this variant in the general population is consistent with pathogenicity.

OMIM
Classification: Pathogenic for MAST SYNDROME. Last evaluated: 2023-05-11. Review status: no assertion criteria provided. Collection method: literature only. Allele origin: germline. Not counted in ClinVar's aggregate classification.

Center for Rare Movement Disorders Innsbruck, Medical University Innsbruck
Classification: Pathogenic for Mast syndrome. Review status: no assertion criteria provided. Collection method: clinical testing. Allele origin: germline. Inheritance: Autosomal recessive inheritance. Affected: yes. Observed: 4 variant alleles, 2 compound heterozygotes, 2 homozygotes. Not counted in ClinVar's aggregate classification.

Literature cited by the submitters: PubMed 14564668 (cited by Labcorp Genetics (formerly Invitae), Labcorp); PubMed 35111129 (cited by 4 submitters).

NM_016630.7(SPG21):c.118C>T (p.Arg40Ter)

Gene: SPG21 (SPG21 abhydrolase domain containing, maspardin; minus strand). Cytogenetic location: 15q22.31.
Variant type: single nucleotide variant.
Coding change: c.118C>T on transcript NM_016630.7 (MANE Select); coding-DNA position 118, C replaced by T.
Protein change: p.Arg40Ter; replaces arginine 40 with a stop codon.
Molecular consequence: nonsense.
Genome position (GRCh38, 1-based): chr15:64,980,971, G>A on the plus strand (C>T on the coding strand, the complement: SPG21 is on the minus strand). VCF-style: chr15-64980971-G-A. GRCh37 (hg19) VCF-style: chr15-65273309-G-A.
Other names: c.118C>T, p.Arg40Ter (NM_001127889.5, NM_001127890.5); short protein forms R40*.
Identifiers: ClinVar variation 1285233 (VCV001285233.13), dbSNP rs555126484, ClinGen allele CA7613069.